The following is an entry in ClinVar:

NM_000548.5(TSC2):c.3559G>A (p.Val1187Met)

Gene: TSC2 (TSC complex subunit 2; plus strand). Cytogenetic location: 16p13.3.
Variant type: single nucleotide variant.
Coding change: c.3559G>A on transcript NM_000548.5 (MANE Select); coding-DNA position 3559, G replaced by A.
Protein change: p.Val1187Met; replaces valine 1187 with methionine.
Molecular consequence: missense variant.
Genome position (GRCh38, 1-based): chr16:2,080,326, G>A. VCF-style: chr16-2080326-G-A. GRCh37 (hg19) VCF-style: chr16-2130327-G-A.
Other names: c.3427G>A, p.Val1143Met (NM_001077183.3, NM_001370404.1); c.3559G>A, p.Val1187Met (NM_001114382.3); c.3319G>A, p.Val1107Met (NM_001318827.2); c.3283G>A, p.Val1095Met (NM_001318829.2); c.2827G>A, p.Val943Met (NM_001318831.2); c.3460G>A, p.Val1154Met (NM_001318832.2); c.3430G>A, p.Val1144Met (NM_001363528.2, NM_001370405.1, NM_021055.3); short protein forms V1095M, V1144M, V1143M, V1187M, V1107M, V943M, V1154M.
Identifiers: ClinVar variation 1447523 (VCV001447523.8), dbSNP rs2151461121, ClinGen allele CA394289545.

ClinVar aggregate classification (germline): Uncertain significance (1 of 4 stars; one submission).

Conditions:
Tuberous sclerosis 2 (TSC2). Identifiers: Orphanet 805, MedGen C1860707, MONDO:0013199, OMIM 613254.

Submission:

Labcorp Genetics (formerly Invitae), Labcorp
Classification: Uncertain significance for Tuberous sclerosis 2. Last evaluated: 2021-03-02. Review status: criteria provided, single submitter. Criteria: Invitae Variant Classification Sherloc (09022015). Collection method: clinical testing. Allele origin: germline.
Comment: This sequence change replaces valine with methionine at codon 1187 of the TSC2 protein (p.Val1187Met). The valine residue is highly conserved and there is a small physicochemical difference between valine and methionine. This variant is not present in population databases (ExAC no frequency). This variant has not been reported in the literature in individuals with TSC2-related conditions. Advanced modeling of protein sequence and biophysical properties (such as structural, functional, and spatial information, amino acid conservation, physicochemical variation, residue mobility, and thermodynamic stability) performed at Invitae indicates that this missense variant is not expected to disrupt TSC2 protein function. In summary, the available evidence is currently insufficient to determine the role of this variant in disease. Therefore, it has been classified as a Variant of Uncertain Significance.